The following is an entry in ClinVar:

ClinVar aggregate classification (germline): Uncertain significance (1 of 4 stars; one submission).

Submission:

Labcorp Genetics (formerly Invitae), Labcorp
Classification: Uncertain significance. Last evaluated: 2025-11-02. Review status: criteria provided, single submitter. Criteria: Invitae Variant Classification Sherloc (09022015). Collection method: clinical testing. Allele origin: germline.
Comment: This sequence change replaces glutamic acid, which is acidic and polar, with lysine, which is basic and polar, at codon 399 of the PRKN protein (p.Glu399Lys). This variant is present in population databases (rs746922936, gnomAD 0.01%). This missense change has been observed in individual(s) with Parkinson disease (PMID: 32442813). This variant is also known as p.E250K. Invitae Evidence Modeling of protein sequence and biophysical properties (such as structural, functional, and spatial information, amino acid conservation, physicochemical variation, residue mobility, and thermodynamic stability) indicates that this missense variant is not expected to disrupt PRKN protein function with a negative predictive value of 80%. In summary, the available evidence is currently insufficient to determine the role of this variant in disease. Therefore, it has been classified as a Variant of Uncertain Significance.

Literature cited by the submitters: PubMed 32442813.

NM_004562.3(PRKN):c.1195G>A (p.Glu399Lys)

Gene: PRKN (parkin RBR E3 ubiquitin protein ligase; minus strand). Cytogenetic location: 6q26.
Variant type: single nucleotide variant.
Coding change: c.1195G>A on transcript NM_004562.3 (MANE Select); coding-DNA position 1195, G replaced by A.
Protein change: p.Glu399Lys; replaces glutamic acid 399 with lysine.
Molecular consequence: missense variant.
Genome position (GRCh38, 1-based): chr6:161,360,178, C>T on the plus strand (G>A on the coding strand, the complement: PRKN is on the minus strand). VCF-style: chr6-161360178-C-T. GRCh37 (hg19) VCF-style: chr6-161781210-C-T.
Other names: c.1111G>A, p.Glu371Lys (NM_013987.3); c.748G>A, p.Glu250Lys (NM_013988.3); short protein forms E250K, E371K, E399K.
Identifiers: ClinVar variation 4803038 (VCV004803038.1).
Genomic context (GRCh38, chr6:161,360,178, plus strand): 5'-GACAGGGCTTGGTGGTTTTCTTGATGGTTTCTTTGGAGGCTGCTTCCCAACGAGCCTGCT[C>T]GGCGGCTCTTTCATCGACTCTGTAGGCCTGGGGAAACAAAGAGGAAAGGCGTTTAATCTC-3'
Protein context (NP_004553.2, residues 389-409): QAYRVDERAA[Glu399Lys]QARWEAASKE